The following is an entry in ClinVar:

NM_012233.3(RAB3GAP1):c.1527G>A (p.Arg509=)

Gene: RAB3GAP1 (RAB3 GTPase activating protein catalytic subunit 1; plus strand). Cytogenetic location: 2q21.3.
Variant type: single nucleotide variant.
Coding change: c.1527G>A on transcript NM_012233.3 (MANE Select); coding-DNA position 1527, G replaced by A.
Protein change: p.Arg509=; no amino-acid change (arginine 509 retained).
Molecular consequence: synonymous variant.
Genome position (GRCh38, 1-based): chr2:135,135,292, G>A. VCF-style: chr2-135135292-G-A. GRCh37 (hg19) VCF-style: chr2-135892862-G-A.
Other names: c.1527G>A, p.Arg509= (NM_001172435.2).
Identifiers: ClinVar variation 3057840 (VCV003057840.2), dbSNP rs779310427, ClinGen allele CA1884869.

ClinVar aggregate classification (germline): Likely benign (0 of 4 stars; one submission).

Conditions:
RAB3GAP1-related disorder. Also called: RAB3GAP1-related disorders; RAB3GAP1-related condition.

Allele frequency attached by ClinVar (database versions not stated): gnomAD exomes 0.00001; ExAC 0.00002; TOPMed 0.00003.
gnomAD v4.1: 10 of 1,611,068 alleles (0.00062%); highest among the groups gnomAD compares: Admixed American, 0.015%; no homozygotes.

Submission:

PreventionGenetics, part of Exact Sciences
Classification: Likely benign for RAB3GAP1-related condition. Last evaluated: 2019-03-07. Review status: no assertion criteria provided. Collection method: clinical testing. Allele origin: germline.
Comment: This variant is classified as likely benign based on ACMG/AMP sequence variant interpretation guidelines (Richards et al. 2015 PMID: 25741868, with internal and published modifications).